The following is an entry in ClinVar:

NM_030777.4(SLC2A10):c.1129del (p.His377fs)

Gene: SLC2A10 (solute carrier family 2 member 10; plus strand). Cytogenetic location: 20q13.12.
Variant type: Deletion.
Coding change: c.1129del on transcript NM_030777.4 (MANE Select); coding-DNA position 1129, one base deleted (C; older notation c.1129delC).
Protein change: p.His377fs; shifts the reading frame from histidine 377.
Molecular consequence: frameshift variant.
Genome position (GRCh38, 1-based): chr20:46,726,165, C deleted; the last of 4 consecutive C bases (chr20:46,726,162-46,726,165); deleting any one gives the same sequence. VCF-style (leftmost placement, unchanged base first): chr20-46726161-GC-G. GRCh37 (hg19) VCF-style: chr20-45354800-GC-G.
Other names: short protein forms H377fs.
Identifiers: ClinVar variation 3722256 (VCV003722256.2).

ClinVar aggregate classification (germline): Pathogenic (1 of 4 stars; one submission).

Conditions:
Arterial tortuosity syndrome (ATORS). Identifiers: Orphanet 3342, MedGen C1859726, MONDO:0008818, OMIM 208050.

Submission:

Labcorp Genetics (formerly Invitae), Labcorp
Classification: Pathogenic for Arterial tortuosity syndrome. Last evaluated: 2024-10-05. Review status: criteria provided, single submitter. Criteria: Invitae Variant Classification Sherloc (09022015). Collection method: clinical testing. Allele origin: germline.
Comment: This sequence change creates a premature translational stop signal (p.His377Ilefs*15) in the SLC2A10 gene. It is expected to result in an absent or disrupted protein product. Loss-of-function variants in SLC2A10 are known to be pathogenic (PMID: 17935213, 22488877, 23494979). This variant is not present in population databases (gnomAD no frequency). This variant has not been reported in the literature in individuals affected with SLC2A10-related conditions. For these reasons, this variant has been classified as Pathogenic.

Literature cited by the submitters: PubMed 17935213; PubMed 22488877; PubMed 23494979.